The following is an entry in ClinVar:

ClinVar aggregate classification (germline): Uncertain significance (1 of 4 stars; one submission).

Allele frequency attached by ClinVar (database versions not stated): TOPMed below 0.00001; gnomAD exomes 0.00001.
gnomAD v4.1: 9 of 1,525,682 alleles (0.00059%); highest among the groups gnomAD compares: Non-Finnish European, 0.00079%; no homozygotes.

Submission:

Labcorp Genetics (formerly Invitae), Labcorp
Classification: Uncertain significance. Last evaluated: 2022-04-06. Review status: criteria provided, single submitter. Criteria: Invitae Variant Classification Sherloc (09022015). Collection method: clinical testing. Allele origin: germline.
Comment: This sequence change replaces serine, which is neutral and polar, with threonine, which is neutral and polar, at codon 234 of the C11orf70 protein (p.Ser234Thr). This variant is not present in population databases (gnomAD no frequency). This variant has not been reported in the literature in individuals affected with C11orf70-related conditions. Algorithms developed to predict the effect of missense changes on protein structure and function are either unavailable or do not agree on the potential impact of this missense change (SIFT: "Tolerated"; PolyPhen-2: "Probably Damaging"; Align-GVGD: "Class C0"). In summary, the available evidence is currently insufficient to determine the role of this variant in disease. Therefore, it has been classified as a Variant of Uncertain Significance.

NM_032930.3(CFAP300):c.700T>A (p.Ser234Thr)

Gene: CFAP300 (cilia and flagella associated protein 300; plus strand). Cytogenetic location: 11q22.1.
Variant type: single nucleotide variant.
Coding change: c.700T>A on transcript NM_032930.3 (MANE Select); coding-DNA position 700, T replaced by A.
Protein change: p.Ser234Thr; replaces serine 234 with threonine.
Molecular consequence: missense variant.
Genome position (GRCh38, 1-based): chr11:102,083,095, T>A. VCF-style: chr11-102083095-T-A. GRCh37 (hg19) VCF-style: chr11-101953826-T-A.
Other names: c.628T>A, p.Ser210Thr (NM_001363505.2); short protein forms S234T, S210T.
Identifiers: ClinVar variation 1951449 (VCV001951449.2), dbSNP rs1942499450, ClinGen allele CA382490175.
Genomic context (GRCh38, chr11:102,083,095, plus strand): 5'-AATAAAATAATAATAATTTAGGTTTGTCTTTTTCAGGATTCTGCTGGTATGTGCTATCCT[T>A]CAGCAAAGAATCATGAACAGACATTTTCTTACTTTATTGTGGATCCTATCAGGCGTCACC-3'
Protein context (NP_116319.2, residues 224-244): AYDSAGMCYP[Ser234Thr]AKNHEQTFSY